The following is an entry in ClinVar:

NM_001329943.3(KIAA0586):c.2153T>C (p.Leu718Ser)

Gene: KIAA0586 (KIAA0586; plus strand). Cytogenetic location: 14q23.1.
Variant type: single nucleotide variant.
Coding change: c.2153T>C on transcript NM_001329943.3 (MANE Select); coding-DNA position 2153, T replaced by C.
Protein change: p.Leu718Ser; replaces leucine 718 with serine.
Molecular consequence: missense variant.
Genome position (GRCh38, 1-based): chr14:58,465,928, T>C. VCF-style: chr14-58465928-T-C. GRCh37 (hg19) VCF-style: chr14-58932646-T-C.
Other names: c.2312T>C, p.Leu771Ser (NM_001244189.2); c.2108T>C, p.Leu703Ser (NM_001244190.2); c.1898T>C, p.Leu633Ser (NM_001244191.2, NM_001329945.2, NM_001364700.1 and 1 more transcripts); c.2021T>C, p.Leu674Ser (NM_001244192.2); c.1733T>C, p.Leu578Ser (NM_001244193.2); c.2153T>C, p.Leu718Ser (NM_001329944.2, NM_001329946.2, NM_001329947.2); c.1925T>C (NM_014749.3); c.1925T>C, p.Leu642Ser (NM_014749.5); short protein forms L642S, L718S, L578S, L674S, L703S, L633S, L771S.
Identifiers: ClinVar variation 2930645 (VCV002930645.2), dbSNP rs760933996, ClinGen allele CA7205796.

ClinVar aggregate classification (germline): Uncertain significance. Review status: criteria provided, multiple submitters, no conflicts (2 of 4 stars). 2 submissions from 2 submitters: Uncertain significance (2). Last evaluated 2025-12-15.

Conditions:
Short-rib thoracic dysplasia 14 with polydactyly (SRTD14). Identifiers: Orphanet 397715, MedGen C4225286, MONDO:0014688, OMIM 616546.
Joubert syndrome 23 (JBTS23). Identifiers: Orphanet 475, MedGen C4084822, MONDO:0014664, OMIM 616490.
Inborn genetic diseases. Identifiers: MedGen C0950123, MeSH D030342.

Allele frequency attached by ClinVar (database versions not stated): gnomAD exomes below 0.00001; ExAC 0.00001.
gnomAD v4.1: 2 of 1,612,984 alleles (0.00012%); highest among the groups gnomAD compares: East Asian, 0.0022%; no homozygotes.

Submissions (2):

Ambry Genetics
Classification: Uncertain significance for Inborn genetic diseases. Last evaluated: 2025-12-15. Review status: criteria provided, single submitter. Criteria: Ambry Variant Classification Scheme 2023. Collection method: clinical testing. Allele origin: germline.

Labcorp Genetics (formerly Invitae), Labcorp
Classification: Uncertain significance for Joubert syndrome 23; Short-rib thoracic dysplasia 14 with polydactyly. Last evaluated: 2023-10-24. Review status: criteria provided, single submitter. Criteria: Invitae Variant Classification Sherloc (09022015). Collection method: clinical testing. Allele origin: germline.
Comment: This sequence change replaces leucine, which is neutral and non-polar, with serine, which is neutral and polar, at codon 771 of the KIAA0586 protein (p.Leu771Ser). This variant is present in population databases (rs760933996, gnomAD 0.003%). This variant has not been reported in the literature in individuals affected with KIAA0586-related conditions. Advanced modeling of protein sequence and biophysical properties (such as structural, functional, and spatial information, amino acid conservation, physicochemical variation, residue mobility, and thermodynamic stability) has been performed at Invitae for this missense variant, however the output from this modeling did not meet the statistical confidence thresholds required to predict the impact of this variant on KIAA0586 protein function. In summary, the available evidence is currently insufficient to determine the role of this variant in disease. Therefore, it has been classified as a Variant of Uncertain Significance.